The following is an entry in ClinVar:

NM_004260.4(RECQL4):c.1909T>C (p.Phe637Leu)

Gene: RECQL4 (RecQ like helicase 4; minus strand). Cytogenetic location: 8q24.3.
Variant type: single nucleotide variant.
Coding change: c.1909T>C on transcript NM_004260.4 (MANE Select); coding-DNA position 1909, T replaced by C.
Protein change: p.Phe637Leu; replaces phenylalanine 637 with leucine.
Molecular consequence: missense variant.
Genome position (GRCh38, 1-based): chr8:144,514,077, A>G on the plus strand (T>C on the coding strand, the complement: RECQL4 is on the minus strand). VCF-style: chr8-144514077-A-G. GRCh37 (hg19) VCF-style: chr8-145739461-A-G.
Other names: short protein forms F637L.
Identifiers: ClinVar variation 459355 (VCV000459355.3), dbSNP rs1554899485, ClinGen allele CA372680504.

ClinVar aggregate classification (germline): Uncertain significance (1 of 4 stars; one submission).

Conditions:
Baller-Gerold syndrome (BGS). Also called: CRANIOSYNOSTOSIS WITH RADIAL DEFECTS. Identifiers: Orphanet 1225, MedGen C0265308, MONDO:0009039, OMIM 218600.

Submission:

Labcorp Genetics (formerly Invitae), Labcorp
Classification: Uncertain significance for Baller-Gerold syndrome. Last evaluated: 2017-07-22. Review status: criteria provided, single submitter. Criteria: Invitae Variant Classification Sherloc (09022015). Collection method: clinical testing. Allele origin: germline.
Comment: This sequence change replaces phenylalanine with leucine at codon 637 of the RECQL4 protein (p.Phe637Leu). The phenylalanine residue is highly conserved and there is a small physicochemical difference between phenylalanine and leucine. This variant is not present in population databases (ExAC no frequency). This variant has not been reported in the literature in individuals with RECQL4-related disease. Algorithms developed to predict the effect of missense changes on protein structure and function (SIFT, PolyPhen-2, Align-GVGD) all suggest that this variant is likely to be tolerated, but these predictions have not been confirmed by published functional studies and their clinical significance is uncertain. In summary, the available evidence is currently insufficient to determine the role of this variant in disease. Therefore, it has been classified as a Variant of Uncertain Significance.